The following is an entry in ClinVar:

NM_001621.5(AHR):c.1541T>C (p.Ile514Thr)

Gene: AHR (aryl hydrocarbon receptor; plus strand). Cytogenetic location: 7p21.1.
Variant type: single nucleotide variant.
Coding change: c.1541T>C on transcript NM_001621.5 (MANE Select); coding-DNA position 1541, T replaced by C.
Protein change: p.Ile514Thr; replaces isoleucine 514 with threonine.
Molecular consequence: missense variant.
Genome position (GRCh38, 1-based): chr7:17,339,366, T>C. VCF-style: chr7-17339366-T-C. GRCh37 (hg19) VCF-style: chr7-17378990-T-C.
Other names: short protein forms I514T.
Identifiers: ClinVar variation 2143503 (VCV002143503.2), dbSNP rs779351731, ClinGen allele CA4172142.

ClinVar aggregate classification (germline): Uncertain significance (1 of 4 stars; one submission).

Allele frequency attached by ClinVar (database versions not stated): TOPMed below 0.00001; ExAC 0.00003; gnomAD exomes 0.00003.
gnomAD v4.1: 39 of 1,614,144 alleles (0.0024%); highest among the groups gnomAD compares: East Asian, 0.027%; no homozygotes.

Submission:

Labcorp Genetics (formerly Invitae), Labcorp
Classification: Uncertain significance. Last evaluated: 2022-09-13. Review status: criteria provided, single submitter. Criteria: Invitae Variant Classification Sherloc (09022015). Collection method: clinical testing. Allele origin: germline.
Comment: In summary, the available evidence is currently insufficient to determine the role of this variant in disease. Therefore, it has been classified as a Variant of Uncertain Significance. Experimental studies have shown that this missense change does not substantially affect AHR function (PMID: 15860653). Algorithms developed to predict the effect of missense changes on protein structure and function (SIFT, PolyPhen-2, Align-GVGD) all suggest that this variant is likely to be tolerated. This variant has not been reported in the literature in individuals affected with AHR-related conditions. This variant is present in population databases (rs779351731, gnomAD 0.01%). This sequence change replaces isoleucine, which is neutral and non-polar, with threonine, which is neutral and polar, at codon 514 of the AHR protein (p.Ile514Thr).

Literature cited by the submitters: PubMed 15860653.